The following is an entry in ClinVar:

ClinVar aggregate classification (germline): Benign/Likely benign. Review status: criteria provided, multiple submitters, no conflicts (2 of 4 stars). 5 submissions from 5 submitters: Benign (1); Likely benign (4). Last evaluated 2026-04-15.

Conditions:
DICER1-related tumor predisposition. Also called: DICER1-related pleuropulmonary blastoma cancer predisposition syndrome; DICER1 syndrome. Identifiers: Orphanet 284343, MedGen C3839822, MONDO:0100216.
Hereditary cancer-predisposing syndrome. Also called: Hereditary Cancer Syndrome; Tumor predisposition; Hereditary neoplastic syndrome; Neoplastic Syndromes, Hereditary. Identifiers: Orphanet 140162, MedGen C0027672, MeSH D009386, MONDO:0015356.

Allele frequency attached by ClinVar (database versions not stated): gnomAD exomes below 0.00001.
gnomAD v4.1: 1 of 1,614,000 alleles (0.000062%); highest among the groups gnomAD compares: African/African-American, 0.0013%; no homozygotes.

Submissions (5):

Myriad Genetics, Inc.
Classification: Benign for DICER1-related tumor predisposition. Last evaluated: 2026-04-15. Review status: criteria provided, single submitter. Criteria: Myriad Autosomal Dominant, Autosomal Recessive and X-Linked Classification Criteria (2023). Collection method: clinical testing. Allele origin: unknown.
Comment: This variant is considered benign. This variant is a silent/synonymous amino acid change and it is not expected to impact splicing.

Labcorp Genetics (formerly Invitae), Labcorp
Classification: Likely benign for DICER1-related tumor predisposition. Last evaluated: 2025-12-15. Review status: criteria provided, single submitter. Criteria: Invitae Variant Classification Sherloc (09022015). Collection method: clinical testing. Allele origin: germline.

Quest Diagnostics Nichols Institute San Juan Capistrano
Classification: Likely benign. Last evaluated: 2025-05-07. Review status: criteria provided, single submitter. Criteria: Quest Diagnostics criteria. Collection method: clinical testing. Allele origin: unknown.

Blueprint Genetics
Classification: Likely benign. Last evaluated: 2020-02-25. Review status: criteria provided, single submitter. Criteria: ACMG Guidelines, 2015. Collection method: clinical testing. Allele origin: germline.

Ambry Genetics
Classification: Likely benign for Hereditary cancer-predisposing syndrome. Last evaluated: 2019-10-09. Review status: criteria provided, single submitter. Criteria: Ambry Variant Classification Scheme 2023. Collection method: clinical testing. Allele origin: germline.

Literature cited by the submitters: PubMed 29399970 (cited by Quest Diagnostics Nichols Institute San Juan Capistrano).

NM_177438.3(DICER1):c.1278A>G (p.Glu426=)

Gene: DICER1 (dicer 1, ribonuclease III; minus strand). Cytogenetic location: 14q32.13.
Variant type: single nucleotide variant.
Coding change: c.1278A>G on transcript NM_177438.3 (MANE Select); coding-DNA position 1278, A replaced by G.
Protein change: p.Glu426=; no amino-acid change (glutamic acid 426 retained).
Molecular consequence: synonymous variant.
Genome position (GRCh38, 1-based): chr14:95,124,294, T>C on the plus strand (A>G on the coding strand, the complement: DICER1 is on the minus strand). VCF-style: chr14-95124294-T-C. GRCh37 (hg19) VCF-style: chr14-95590631-T-C.
Other names: c.1278A>G, p.Glu426= (NM_001195573.1, NM_001271282.3, NM_001291628.2 and 1 more transcripts).
Identifiers: ClinVar variation 242035 (VCV000242035.20), dbSNP rs878855242, ClinGen allele CA10583220.